The following is an entry in ClinVar:

NM_001999.4(FBN2):c.1078+12A>C

Gene: FBN2 (fibrillin 2; minus strand). Cytogenetic location: 5q23.3.
Variant type: single nucleotide variant.
Coding change: c.1078+12A>C on transcript NM_001999.4 (MANE Select); 12 bases into the intron after coding-DNA position 1078, A replaced by C.
Molecular consequence: intron variant.
Genome position (GRCh38, 1-based): chr5:128,408,662, T>G on the plus strand (A>C on the coding strand, the complement: FBN2 is on the minus strand). VCF-style: chr5-128408662-T-G. GRCh37 (hg19) VCF-style: chr5-127744355-T-G.
Identifiers: ClinVar variation 350789 (VCV000350789.13), dbSNP rs769211487, ClinGen allele CA3395899.

ClinVar aggregate classification (germline): Conflicting classifications of pathogenicity. Review status: criteria provided, conflicting classifications (1 of 4 stars). 4 submissions from 4 submitters: Uncertain significance (1); Likely benign (3). Last evaluated 2025-11-21.

Conditions:
Congenital contractural arachnodactyly (CCA). Also called: BEALS SYNDROME; Beals-Hecht syndrome; Arthrogryposis, distal, type 9. Identifiers: Orphanet 115, MedGen C0220668, MONDO:0007363, OMIM 121050.

Allele frequency attached by ClinVar (database versions not stated): ExAC 0.00002; gnomAD exomes 0.00002; gnomAD 0.00004; TOPMed 0.00005.
gnomAD v4.1: 45 of 1,613,812 alleles (0.0028%); highest among the groups gnomAD compares: Non-Finnish European, 0.0036%; no homozygotes.

Submissions (4):

Labcorp Genetics (formerly Invitae), Labcorp
Classification: Likely benign for Congenital contractural arachnodactyly. Last evaluated: 2025-11-21. Review status: criteria provided, single submitter. Criteria: Invitae Variant Classification Sherloc (09022015). Collection method: clinical testing. Allele origin: germline.

Blueprint Genetics
Classification: Likely benign. Last evaluated: 2023-03-28. Review status: criteria provided, single submitter. Criteria: ACMG Guidelines, 2015. Collection method: clinical testing. Allele origin: germline.

Illumina Laboratory Services, Illumina
Classification: Uncertain significance for Congenital contractural arachnodactyly. Last evaluated: 2018-01-12. Review status: criteria provided, single submitter. Criteria: ICSL Variant Classification Criteria 13 December 2019. Collection method: clinical testing. Allele origin: germline.

GeneDx
Classification: Likely benign. Last evaluated: 2016-06-09. Review status: criteria provided, single submitter. Criteria: GeneDx Variant Classification (06012015). Collection method: clinical testing. Allele origin: germline. Affected: yes.
Comment: This variant is considered likely benign or benign based on one or more of the following criteria: it is a conservative change, it occurs at a poorly conserved position in the protein, it is predicted to be benign by multiple in silico algorithms, and/or has population frequency not consistent with disease.